The following is an entry in ClinVar:

NM_000264.5(PTCH1):c.3604C>G (p.Pro1202Ala)

Gene: PTCH1 (patched 1; minus strand). Cytogenetic location: 9q22.32.
Variant type: single nucleotide variant.
Coding change: c.3604C>G on transcript NM_000264.5 (MANE Select); coding-DNA position 3604, C replaced by G.
Protein change: p.Pro1202Ala; replaces proline 1202 with alanine.
Molecular consequence: missense variant. On other transcripts: non-coding transcript variant (1).
Genome position (GRCh38, 1-based): chr9:95,449,269, G>C on the plus strand (C>G on the coding strand, the complement: PTCH1 is on the minus strand). VCF-style: chr9-95449269-G-C. GRCh37 (hg19) VCF-style: chr9-98211551-G-C.
Other names: c.3406C>G, p.Pro1136Ala (NM_001083602.3); c.3601C>G, p.Pro1201Ala (NM_001083603.3); c.3151C>G, p.Pro1051Ala (NM_001083604.3, NM_001083605.3, NM_001083606.3 and 1 more transcripts); c.3448C>G, p.Pro1150Ala (NM_001354918.2); short protein forms P1051A, P1136A, P1150A, P1201A, P1202A.
Identifiers: ClinVar variation 4862683 (VCV004862683.1).
Genomic context (GRCh38, chr9:95,449,269, plus strand): 5'-CGGAGGAATCAGACCCGCTGTGCGTGTGGCCGGGCGGCATGGCGAAGCGGACCACGCTGG[G>C]GGGTGGCTCAGGGGAGGGTGTGGGCAGGCGGTTCAAGCCGTTGGCTGGAGACACCTATTT-3'
Protein context (NP_000255.2, residues 1192-1212): RLPTPSPEPP[Pro1202Ala]SVVRFAMPPG

ClinVar aggregate classification (germline): Uncertain significance (1 of 4 stars; one submission).

Conditions:
Hereditary cancer-predisposing syndrome. Also called: Neoplastic Syndromes, Hereditary; Tumor predisposition; Hereditary Cancer Syndrome; Hereditary neoplastic syndrome. Identifiers: Orphanet 140162, MedGen C0027672, MeSH D009386, MONDO:0015356.

Submission:

Ambry Genetics
Classification: Uncertain significance for Hereditary cancer-predisposing syndrome. Last evaluated: 2026-04-22. Review status: criteria provided, single submitter. Criteria: Ambry Variant Classification Scheme 2023. Collection method: clinical testing. Allele origin: germline.
Comment: The p.P1202A variant (also known as c.3604C>G), located in coding exon 22 of the PTCH1 gene, results from a C to G substitution at nucleotide position 3604. The proline at codon 1202 is replaced by alanine, an amino acid with highly similar properties. This amino acid position is conserved. In addition, the in silico prediction for this alteration is inconclusive. Based on the available evidence, the clinical significance of this variant remains unclear.